The following is an entry in ClinVar:

NM_004646.4(NPHS1):c.468C>G (p.Tyr156Ter)

Gene: NPHS1 (NPHS1 adhesion molecule, nephrin; minus strand). Cytogenetic location: 19q13.12.
Variant type: single nucleotide variant.
Coding change: c.468C>G on transcript NM_004646.4 (MANE Select); coding-DNA position 468, C replaced by G.
Protein change: p.Tyr156Ter; replaces tyrosine 156 with a stop codon.
Molecular consequence: nonsense.
Genome position (GRCh38, 1-based): chr19:35,851,019, G>C on the plus strand (C>G on the coding strand, the complement: NPHS1 is on the minus strand). VCF-style: chr19-35851019-G-C. GRCh37 (hg19) VCF-style: chr19-36341921-G-C.
Other names: short protein forms Y156*.
Identifiers: ClinVar variation 56505 (VCV000056505.13), dbSNP rs386833943, ClinGen allele CA250237.

ClinVar aggregate classification (germline): Pathogenic. Review status: criteria provided, multiple submitters, no conflicts (2 of 4 stars). 5 submissions from 5 submitters: Pathogenic (3). 2 of the submissions do not count toward it. Last evaluated 2024-04-03.

Conditions:
Finnish congenital nephrotic syndrome (NPHS1). Also called: NEPHROTIC SYNDROME, TYPE 1. Identifiers: Orphanet 839, MedGen C0403399, MONDO:0009732, OMIM 256300.

gnomAD v4.1: 2 of 1,614,172 alleles (0.00012%); highest among the groups gnomAD compares: Non-Finnish European, 0.00017%; no homozygotes.

Submissions (5):

Natera, Inc.
Classification: Pathogenic for Finnish congenital nephrotic syndrome. Last evaluated: 2024-04-03. Review status: criteria provided, single submitter. Criteria: Natera Variant Classification Schema (03/2026). Collection method: clinical testing. Allele origin: germline.
Comment: The c.468C>G variant in NPHS1 is a nonsense variant predicted to introduce a stop codon at amino acid 156. This variant is expected to result in nonsense mediated decay, truncation, or a dysfunctional protein product. This variant is rare in the general population with a frequency below the threshold expected for the associated phenotype(s). This variant has been observed in one or more individuals affected with the associated recessive disease, as either homozygous or compound heterozygous with a second variant (PMID: 25407002). Given the available evidence, this variant is classified as Pathogenic.

Labcorp Genetics (formerly Invitae), Labcorp
Classification: Pathogenic. Last evaluated: 2024-02-06. Review status: criteria provided, single submitter. Criteria: Invitae Variant Classification Sherloc (09022015). Collection method: clinical testing. Allele origin: germline.
Comment: This sequence change creates a premature translational stop signal (p.Tyr156*) in the NPHS1 gene. It is expected to result in an absent or disrupted protein product. Loss-of-function variants in NPHS1 are known to be pathogenic (PMID: 11317351, 11854170, 12039988). This variant is not present in population databases (gnomAD no frequency). This premature translational stop signal has been observed in individual(s) with congenital nephrotic syndrome (PMID: 11317351). ClinVar contains an entry for this variant (Variation ID: 56505). Algorithms developed to predict the effect of sequence changes on RNA splicing suggest that this variant may disrupt the consensus splice site. For these reasons, this variant has been classified as Pathogenic.

Women's Health and Genetics/Laboratory Corporation of America, LabCorp
Classification: Pathogenic for Finnish congenital nephrotic syndrome. Last evaluated: 2020-03-20. Review status: criteria provided, single submitter. Criteria: LabCorp Variant Classification Summary - May 2015. Collection method: clinical testing. Allele origin: germline.
Comment: Variant summary: NPHS1 c.468C>G (p.Tyr156X) results in a premature termination codon, predicted to cause a truncation of the encoded protein or absence of the protein due to nonsense mediated decay, which are commonly known mechanisms for disease. Truncations downstream of this position have been classified as pathogenic by our laboratory. The variant was absent in 251374 control chromosomes (gnomAD). c.468C>G has been reported in the literature in individuals affected with Nephrotic Syndrome, Type 1 (e.g. Bullich_2015, Beltcheva_2001, Hinkes_2007, Philippe_2008). These data indicate that the variant is likely to be associated with disease. One ClinVar submitter (evaluation after 2014) cite the variant as pathogenic. Based on the evidence outlined above, the variant was classified as pathogenic.

Counsyl
Classification: Pathogenic for Finnish congenital nephrotic syndrome. Last evaluated: 2015-11-23. Review status: no assertion criteria provided. Collection method: clinical testing. Allele origin: unknown. Not counted in ClinVar's aggregate classification.

Juha Muilu Group; Institute for Molecular Medicine Finland (FIMM)
Classification: Likely pathogenic for Finnish congenital nephrotic syndrome. Review status: no assertion criteria provided. Collection method: not provided. Allele origin: unknown. Not counted in ClinVar's aggregate classification.
Comment: FinDis database variant: FinDis database variant: This variant was not found or characterized by our laboratory, data were collected from public sources: see reference
ClinVar note: Converted during submission from probable-pathogenic to Likely pathogenic.

Literature cited by the submitters: PubMed 25407002 (cited by 3 submitters); PubMed 11317351 (cited by 3 submitters); PubMed 11854170 (cited by Labcorp Genetics (formerly Invitae), Labcorp); PubMed 12039988 (cited by Labcorp Genetics (formerly Invitae), Labcorp); PubMed 17371932 (cited by Women's Health and Genetics/Laboratory Corporation of America, LabCorp); PubMed 18614772 (cited by Women's Health and Genetics/Laboratory Corporation of America, LabCorp and Counsyl); PubMed 19406966 (cited by Counsyl); PubMed 15338398 (cited by Counsyl); PubMed 25525159 (cited by Counsyl).